The following is an entry in ClinVar:

NM_031296.3(RAB33B):c.78G>C (p.Leu26Phe)

Gene: RAB33B (RAB33B, member RAS oncogene family; plus strand). Cytogenetic location: 4q31.1.
Variant type: single nucleotide variant.
Coding change: c.78G>C on transcript NM_031296.3 (MANE Select); coding-DNA position 78, G replaced by C.
Protein change: p.Leu26Phe; replaces leucine 26 with phenylalanine.
Molecular consequence: missense variant.
Genome position (GRCh38, 1-based): chr4:139,454,273, G>C. VCF-style: chr4-139454273-G-C. GRCh37 (hg19) VCF-style: chr4-140375427-G-C.
Other names: short protein forms L26F.
Identifiers: ClinVar variation 2051297 (VCV002051297.4), dbSNP rs2530585773, ClinGen allele CA358271645.

ClinVar aggregate classification (germline): Uncertain significance (1 of 4 stars; one submission).

Allele frequency attached by ClinVar (database versions not stated): gnomAD exomes below 0.00001.
gnomAD v4.1: 4 of 1,614,128 alleles (0.00025%); highest among the groups gnomAD compares: Non-Finnish European, 0.00025%; no homozygotes.

Submission:

Labcorp Genetics (formerly Invitae), Labcorp
Classification: Uncertain significance. Last evaluated: 2021-12-21. Review status: criteria provided, single submitter. Criteria: Invitae Variant Classification Sherloc (09022015). Collection method: clinical testing. Allele origin: germline.
Comment: In summary, the available evidence is currently insufficient to determine the role of this variant in disease. Therefore, it has been classified as a Variant of Uncertain Significance. Experimental studies and prediction algorithms are not available or were not evaluated, and the functional significance of this variant is currently unknown. This variant has not been reported in the literature in individuals affected with RAB33B-related conditions. This variant is not present in population databases (gnomAD no frequency). This sequence change replaces leucine, which is neutral and non-polar, with phenylalanine, which is neutral and non-polar, at codon 26 of the RAB33B protein (p.Leu26Phe).